The following is an entry in ClinVar:

NM_015374.3(SUN2):c.286+3G>C

Gene: SUN2 (Sad1 and UNC84 domain containing 2; minus strand). Cytogenetic location: 22q13.1.
Variant type: single nucleotide variant.
Coding change: c.286+3G>C on transcript NM_015374.3 (MANE Select); 3 bases into the intron after coding-DNA position 286, G replaced by C.
Molecular consequence: intron variant.
Genome position (GRCh38, 1-based): chr22:38,751,207, C>G on the plus strand (G>C on the coding strand, the complement: SUN2 is on the minus strand). VCF-style: chr22-38751207-C-G. GRCh37 (hg19) VCF-style: chr22-39147212-C-G.
Other names: c.286+3G>C (NM_001199579.2, NM_001199580.2).
Identifiers: ClinVar variation 639766 (VCV000639766.7), dbSNP rs539528181, ClinGen allele CA10236032.

ClinVar aggregate classification (germline): Uncertain significance (1 of 4 stars; one submission).

Conditions:
Emery-Dreifuss muscular dystrophy (EDMD). Also called: Scapuloperoneal syndrome, X-linked (formerly); Humeroperoneal neuromuscular disease, (formerly). Identifiers: Orphanet 261, MedGen C0410189, MONDO:0016830.

Allele frequency attached by ClinVar (database versions not stated): gnomAD exomes below 0.00001; ExAC 0.00001; 1000 Genomes Project 0.00020; 1000 Genomes Project 30x 0.00031.
gnomAD v4.1: 2 of 1,610,978 alleles (0.00012%); highest among the groups gnomAD compares: African/African-American, 0.0027%; no homozygotes.

Submission:

Labcorp Genetics (formerly Invitae), Labcorp
Classification: Uncertain significance for Emery-Dreifuss muscular dystrophy. Last evaluated: 2022-02-24. Review status: criteria provided, single submitter. Criteria: Invitae Variant Classification Sherloc (09022015). Collection method: clinical testing. Allele origin: germline.
Comment: ClinVar contains an entry for this variant (Variation ID: 639766). In summary, the available evidence is currently insufficient to determine the role of this variant in disease. Therefore, it has been classified as a Variant of Uncertain Significance. Variants that disrupt the consensus splice site are a relatively common cause of aberrant splicing (PMID: 17576681, 9536098). Algorithms developed to predict the effect of sequence changes on RNA splicing suggest that this variant may disrupt the consensus splice site. This variant has not been reported in the literature in individuals affected with SUN2-related conditions. This variant is present in population databases (rs539528181, gnomAD 0.007%). This sequence change falls in intron 3 of the SUN2 gene. It does not directly change the encoded amino acid sequence of the SUN2 protein. It affects a nucleotide within the consensus splice site.

Literature cited by the submitters: PubMed 17576681; PubMed 9536098.